The following is an entry in ClinVar:

NM_021971.4(GMPPB):c.803T>C (p.Ile268Thr)

Gene: GMPPB (GDP-mannose pyrophosphorylase B; minus strand). Cytogenetic location: 3p21.31.
Variant type: single nucleotide variant.
Coding change: c.803T>C on transcript NM_021971.4 (MANE Select); coding-DNA position 803, T replaced by C.
Protein change: p.Ile268Thr; replaces isoleucine 268 with threonine.
Molecular consequence: missense variant.
Genome position (GRCh38, 1-based): chr3:49,722,113, A>G on the plus strand (T>C on the coding strand, the complement: GMPPB is on the minus strand). VCF-style: chr3-49722113-A-G. GRCh37 (hg19) VCF-style: chr3-49759546-A-G.
Other names: c.803T>C, p.Ile268Thr (NM_013334.4); short protein forms I268T.
Identifiers: ClinVar variation 2498932 (VCV002498932.29), dbSNP rs1559696635, ClinGen allele CA352827628.

ClinVar aggregate classification (germline): Likely pathogenic. Review status: criteria provided, multiple submitters, no conflicts (2 of 4 stars). 2 submissions from 2 submitters: Likely pathogenic (2). Last evaluated 2023-01-01.

Conditions:
Muscular dystrophy-dystroglycanopathy (congenital with impaired intellectual development), type B, 14. Also called: Congenital muscular dystrophy-dystroglycanopathy with mental retardation, type B14; MUSCULAR DYSTROPHY, CONGENITAL, GMPPB-RELATED; Muscular dystrophy-dystroglycanopathy (congenital with intellectual disability), type B14. Identifiers: MedGen C3809221, MONDO:0014141, OMIM 615351.
Autosomal recessive limb-girdle muscular dystrophy type 2T. Also called: Limb-girdle muscular dystrophy-dystroglycanopathy, type C14; MUSCULAR DYSTROPHY-DYSTROGLYCANOPATHY, LIMB-GIRDLE, GMPPB-RELATED; MUSCULAR DYSTROPHY, LIMB-GIRDLE, TYPE 2T; Muscular dystrophy-dystroglycanopathy (limb-girdle), type c, 14. Identifiers: Orphanet 363623, MedGen C4518000, MONDO:0014142, OMIM 615352.
Muscular dystrophy-dystroglycanopathy (congenital with brain and eye anomalies), type A14. Also called: Congenital Muscular Dystrophy-Dystroglycanopathy with Brain and Eye Anomalies Type A 14; Congenital muscular dystrophy-dystroglycanopathy with brain and eye anomalies, type A14; WALKER-WARBURG SYNDROME OR MUSCLE-EYE-BRAIN DISEASE, GMPPB-RELATED; Muscular dystrophy-dystroglycanopathy (congenital with brain and eye anomalies), type a, 14. Identifiers: Orphanet 588, MedGen C3809216, MONDO:0014140, OMIM 615350.

Allele frequency attached by ClinVar (database versions not stated): gnomAD exomes below 0.00001.
gnomAD v4.1: 4 of 1,613,456 alleles (0.00025%); highest among the groups gnomAD compares: Non-Finnish European, 0.00025%; no homozygotes.

Submissions (2):

CeGaT Center for Human Genetics Tuebingen
Classification: Likely pathogenic. Last evaluated: 2023-01-01. Review status: criteria provided, single submitter. Criteria: CeGaT Center For Human Genetics Tuebingen Variant Classification Criteria Version 2. Collection method: clinical testing. Allele origin: germline. Affected: yes. Observed: 1 variant allele.
Comment: GMPPB: PM2, PM3, PP4, PS3:Supporting, PS4:Supporting

Juno Genomics, Hangzhou Juno Genomics, Inc
Classification: Likely pathogenic for Muscular dystrophy-dystroglycanopathy (congenital with impaired intellectual development), type B, 14; Muscular dystrophy-dystroglycanopathy (congenital with brain and eye anomalies), type A14; Autosomal recessive limb-girdle muscular dystrophy type 2T. Review status: criteria provided, single submitter. Criteria: ACMG Guidelines, 2015. Collection method: clinical testing. Allele origin: germline.
Comment: Absent from controls (or at extremely low frequency if recessive) in Genome Aggregation Database.;Multiple lines of computational evidence support a deleterious effect on the gene or gene product.;Patient's phenotype or family history is highly specific for a disease with a single genetic etiology.